The following is an entry in ClinVar:

NM_002907.4(RECQL):c.448G>A (p.Val150Ile)

Gene: RECQL (RecQ like helicase; minus strand). Cytogenetic location: 12p12.1.
Variant type: single nucleotide variant.
Coding change: c.448G>A on transcript NM_002907.4 (MANE Select); coding-DNA position 448, G replaced by A.
Protein change: p.Val150Ile; replaces valine 150 with isoleucine.
Molecular consequence: missense variant.
Genome position (GRCh38, 1-based): chr12:21,486,532, C>T on the plus strand (G>A on the coding strand, the complement: RECQL is on the minus strand). VCF-style: chr12-21486532-C-T. GRCh37 (hg19) VCF-style: chr12-21639466-C-T.
Other names: c.448G>A, p.Val150Ile (NM_032941.3); short protein forms V150I.
Identifiers: ClinVar variation 1740958 (VCV001740958.2), dbSNP rs866381565, ClinGen allele CA384130133.

ClinVar aggregate classification (germline): Uncertain significance (1 of 4 stars; one submission).

Submission:

Ambry Genetics
Classification: Uncertain significance. Last evaluated: 2022-08-05. Review status: criteria provided, single submitter. Criteria: Ambry Variant Classification Scheme 2023. Collection method: clinical testing. Allele origin: germline.
Comment: The p.V150I variant (also known as c.448G>A), located in coding exon 4 of the RECQL gene, results from a G to A substitution at nucleotide position 448. The valine at codon 150 is replaced by isoleucine, an amino acid with highly similar properties. This amino acid position is conserved. In addition, this alteration is predicted to be tolerated by in silico analysis. Since supporting evidence is limited at this time, the clinical significance of this alteration remains unclear.